The following is an entry in ClinVar:

NM_004304.5(ALK):c.4117A>G (p.Arg1373Gly)

Gene: ALK (ALK receptor tyrosine kinase; minus strand). Cytogenetic location: 2p23.2.
Variant type: single nucleotide variant.
Coding change: c.4117A>G on transcript NM_004304.5 (MANE Select); coding-DNA position 4117, A replaced by G.
Protein change: p.Arg1373Gly; replaces arginine 1373 with glycine.
Molecular consequence: missense variant.
Genome position (GRCh38, 1-based): chr2:29,196,817, T>C on the plus strand (A>G on the coding strand, the complement: ALK is on the minus strand). VCF-style: chr2-29196817-T-C. GRCh37 (hg19) VCF-style: chr2-29419683-T-C.
Other names: c.913A>G, p.Arg305Gly (NM_001353765.2); short protein forms R1373G, R305G.
Identifiers: ClinVar variation 538252 (VCV000538252.13), dbSNP rs1553387992, ClinGen allele CA346465155.

ClinVar aggregate classification (germline): Uncertain significance. Review status: criteria provided, multiple submitters, no conflicts (2 of 4 stars). 3 submissions from 3 submitters: Uncertain significance (3). Last evaluated 2024-03-18.

Conditions:
Neuroblastoma, susceptibility to, 3. Also called: ALK-Related Neuroblastic Tumor Susceptibility. Identifiers: Orphanet 635, MedGen C2751681, MONDO:0013083, OMIM 613014.
Hereditary cancer-predisposing syndrome. Also called: Neoplastic Syndromes, Hereditary; Tumor predisposition; Hereditary Cancer Syndrome; Hereditary neoplastic syndrome. Identifiers: Orphanet 140162, MedGen C0027672, MeSH D009386, MONDO:0015356.

Submissions (3):

Ambry Genetics
Classification: Uncertain significance for Hereditary cancer-predisposing syndrome. Last evaluated: 2024-03-18. Review status: criteria provided, single submitter. Criteria: Ambry Variant Classification Scheme 2023. Collection method: clinical testing. Allele origin: germline.
Comment: The p.R1373G variant (also known as c.4117A>G), located in coding exon 28 of the ALK gene, results from an A to G substitution at nucleotide position 4117. The arginine at codon 1373 is replaced by glycine, an amino acid with dissimilar properties. This amino acid position is highly conserved in available vertebrate species. In addition, this alteration is predicted to be deleterious by in silico analysis. Since supporting evidence is limited at this time, the clinical significance of this alteration remains unclear.

Blueprint Genetics
Classification: Uncertain significance. Last evaluated: 2024-03-07. Review status: criteria provided, single submitter. Criteria: ACMG Guidelines, 2015. Collection method: clinical testing. Allele origin: germline.

Labcorp Genetics (formerly Invitae), Labcorp
Classification: Uncertain significance for Neuroblastoma, susceptibility to, 3. Last evaluated: 2021-07-03. Review status: criteria provided, single submitter. Criteria: Invitae Variant Classification Sherloc (09022015). Collection method: clinical testing. Allele origin: germline.
Comment: This variant has not been reported in the literature in individuals with ALK-related disease. ClinVar contains an entry for this variant (Variation ID: 538252). Algorithms developed to predict the effect of missense changes on protein structure and function are either unavailable or do not agree on the potential impact of this missense change (SIFT: "Deleterious"; PolyPhen-2: "Probably Damaging"; Align-GVGD: "Class C0"). In summary, the available evidence is currently insufficient to determine the role of this variant in disease. Therefore, it has been classified as a Variant of Uncertain Significance. This variant is not present in population databases (ExAC no frequency). This sequence change replaces arginine with glycine at codon 1373 of the ALK protein (p.Arg1373Gly). The arginine residue is highly conserved and there is a moderate physicochemical difference between arginine and glycine.